The following is an entry in ClinVar:

NM_001127511.3(APC):c.40C>G (p.Pro14Ala)

Gene: APC (APC regulator of Wnt signaling pathway; plus strand). Cytogenetic location: 5q22.2.
Variant type: single nucleotide variant.
Coding change: c.40C>G on transcript NM_001127511.3; coding-DNA position 40, C replaced by G.
Protein change: p.Pro14Ala; replaces proline 14 with alanine.
Molecular consequence: missense variant. On other transcripts: 5 prime UTR variant (8), non-coding transcript variant (1), intron variant (5).
Genome position (GRCh38, 1-based): chr5:112,707,757, C>G. VCF-style: chr5-112707757-C-G. GRCh37 (hg19) VCF-style: chr5-112043454-C-G.
Other names: c.-144C>G (NM_001354895.2, NM_001407447.1, NM_001407452.1 and 3 more transcripts); c.40C>G, p.Pro14Ala (NM_001354897.2, NM_001354902.2, NM_001407446.1); c.-1179C>G (NM_001407470.1, NM_001407472.1); c.-19+108C>G (NM_001407448.1, NM_001407450.1, NM_001407457.1 and 1 more transcripts); c.-43+108C>G (NM_001407453.1); short protein forms P14A.
Identifiers: ClinVar variation 2124474 (VCV002124474.4), dbSNP rs1750605530, ClinGen allele CA360611722.

ClinVar aggregate classification (germline): Uncertain significance (1 of 4 stars; one submission).

Conditions:
Familial adenomatous polyposis 1 (FAP1). Also called: FAMILIAL ADENOMATOUS POLYPOSIS 1, ATTENUATED; POLYPOSIS, ADENOMATOUS INTESTINAL. Identifiers: MedGen C2713442, MONDO:0021056, OMIM 175100. Disease mechanism: loss of function.

Submission:

Labcorp Genetics (formerly Invitae), Labcorp
Classification: Uncertain significance for Familial adenomatous polyposis 1. Last evaluated: 2025-10-29. Review status: criteria provided, single submitter. Criteria: Invitae Variant Classification Sherloc (09022015). Collection method: clinical testing. Allele origin: germline.
Comment: This variant occurs in a non-coding region of the APC gene. It does not change the encoded amino acid sequence of the APC protein. This variant is not present in population databases (gnomAD no frequency). This variant has not been reported in the literature in individuals affected with APC-related conditions. Experimental studies and prediction algorithms are not available or were not evaluated, and the functional significance of this variant is currently unknown. In summary, the available evidence is currently insufficient to determine the role of this variant in disease. Therefore, it has been classified as a Variant of Uncertain Significance.